The following is an entry in ClinVar:

ClinVar aggregate classification (germline): Conflicting classifications of pathogenicity. Review status: criteria provided, conflicting classifications (1 of 4 stars). 8 submissions from 8 submitters: Likely pathogenic (3); Uncertain significance (2). 3 of the submissions do not count toward it. Last evaluated 2026-05-19.

Conditions:
Idiopathic Pulmonary Fibrosis. Also called: Idiopathic fibrosing alveolitis, chronic form; idiopathic fibrosing alveolitis. Identifiers: Orphanet 2032, MedGen C1800706, MeSH D054990, MONDO:0800504.
Dyskeratosis congenita, autosomal dominant 2. Identifiers: MedGen C3151443, MONDO:0013521, OMIM 613989.
TERT-related disorder. Also called: TERT-related condition; TERT-related disorders.
Pulmonary fibrosis. Identifiers: MedGen C0034069, MONDO:0002771, HP:0002206.
Pulmonary fibrosis and/or bone marrow failure, Telomere-related, 1. Also called: PULMONARY FIBROSIS AND/OR BONE MARROW FAILURE SYNDROME, TELOMERE-RELATED, 1. Identifiers: Orphanet 88, MedGen C3553617, MONDO:0013878, OMIM 614742.
Dyskeratosis congenita. Identifiers: Orphanet 1775, MedGen C0265965, MONDO:0015780.
Aplastic anemia. Identifiers: Orphanet 182040, Orphanet 88, MedGen C0002874, MONDO:0015909, OMIM 609135, HP:0001915.
Dyskeratosis congenita, autosomal dominant 1 (DKCA1). Also called: Dyskeratosis congenita Scoggins type. Identifiers: Orphanet 1775, MedGen C4551974, MONDO:0007485, OMIM 127550. Inheritance: Variable.

Allele frequency attached by ClinVar (database versions not stated): gnomAD exomes below 0.00001.
gnomAD v4.1: 4 of 1,614,154 alleles (0.00025%); highest among the groups gnomAD compares: Non-Finnish European, 0.00034%; no homozygotes.

Submissions (8):

Ambry Genetics
Classification: Uncertain significance for Dyskeratosis congenita. Last evaluated: 2026-05-19. Review status: criteria provided, single submitter. Criteria: Ambry Variant Classification Scheme 2023. Collection method: clinical testing. Allele origin: germline.
Comment: The p.R979W variant (also known as c.2935C>T), located in coding exon 12 of the TERT gene, results from a C to T substitution at nucleotide position 2935. The arginine at codon 979 is replaced by tryptophan, an amino acid with dissimilar properties. This variant was reported in individual(s) with features consistent with TERT-related disorder (Vulliamy TJ et al. Blood Cells Mol Dis, 2005;34:257-63; Savage SA et al. Blood Cells Mol Dis, 2006 Aug;37:134-6; Borie R et al. J Heart Lung Transplant, 2015 Apr;34:538-46; external communication). In multiple assays testing TERT function, this variant showed functionally normal/indeterminant results; however, in another assay, this variant showed a functionally abnormal result (Xin ZT et al. Blood, 2007 Jan;109:524-32; Zaug AJ et al. Nucleic Acids Res, 2013 Oct;41:8969-78; Hoffman H et al. J Biol Chem, 2017 Mar;292:4593-4601). This amino acid position is well conserved in available vertebrate species. In addition, the in silico prediction for this alteration is inconclusive. Based on the available evidence, the clinical significance of this variant remains unclear.

Labcorp Genetics (formerly Invitae), Labcorp
Classification: Likely pathogenic for Dyskeratosis congenita, autosomal dominant 2; Idiopathic Pulmonary Fibrosis. Last evaluated: 2025-10-22. Review status: criteria provided, single submitter. Criteria: Invitae Variant Classification Sherloc (09022015). Collection method: clinical testing. Allele origin: germline.
Comment: This sequence change replaces arginine, which is basic and polar, with tryptophan, which is neutral and slightly polar, at codon 979 of the TERT protein (p.Arg979Trp). This variant is not present in population databases (gnomAD no frequency). This missense change has been observed in individual(s) with clinical features of idiopathic pulmonary fibrosis and/or dyskeratosis congenita (PMID: 15885610, 26360549, 36028256, 39279213; internal data). ClinVar contains an entry for this variant (Variation ID: 39118). Invitae Evidence Modeling of protein sequence and biophysical properties (such as structural, functional, and spatial information, amino acid conservation, physicochemical variation, residue mobility, and thermodynamic stability) indicates that this missense variant is expected to disrupt TERT protein function with a positive predictive value of 95%. Experimental studies have shown that this missense change affects TERT function (PMID: 12167716, 21602826, 23901009, 28154186). This variant disrupts the p.Arg979 amino acid residue in TERT. Other variant(s) that disrupt this residue have been observed in individuals with TERT-related conditions (internal data), which suggests that this may be a clinically significant amino acid residue. In summary, the currently available evidence indicates that the variant is pathogenic, but additional data are needed to prove that conclusively. Therefore, this variant has been classified as Likely Pathogenic.

3billion
Classification: Uncertain significance for Dyskeratosis congenita, autosomal dominant 2. Last evaluated: 2024-09-28. Review status: criteria provided, single submitter. Criteria: ACMG Guidelines, 2015. Collection method: clinical testing. Allele origin: germline. Affected: yes.
Comment: The variant is observed at an extremely low frequency in the gnomAD v4.1.0 dataset (total allele frequency: <0.001%). Predicted Consequence/Location: Missense variant In silico tool predictions suggest damaging effect of the variant on gene or gene product [REVEL: 0.60 (>=0.6, sensitivity 0.68 and specificity 0.92); 3Cnet: 0.75 (>=0.6, sensitivity 0.72 and precision 0.9)]. The same nucleotide change resulting in the same amino acid change has been previously reported to be associated with TERT related disorder (PMID: 15885610).Different missense changes at the same codon (p.Arg979Gln) has been reported to be associated with TERT related disorder (ClinVar ID: VCV000506255). However the evidence of pathogenicity is insufficient at this time. Therefore, this variant is classified as VUS according to the recommendation of ACMG/AMP guideline.

Molecular Genetics, Royal Melbourne Hospital
Classification: Likely pathogenic for Pulmonary fibrosis and/or bone marrow failure, Telomere-related, 1. Last evaluated: 2024-05-02. Review status: criteria provided, single submitter. Criteria: ACMG Guidelines, 2015. Collection method: clinical testing. Allele origin: germline. Inheritance: Autosomal dominant inheritance. Affected: yes.
Comment: This sequence change in TERT is predicted to replace arginine with tryptophan at codon 979, p.(Arg979Trp). The arginine residue is moderately conserved (100 vertebrates, Multiz Alignments), and is located in the E-I motif of the Thumb domain (PMID: 28154186). There is a large physicochemical difference between arginine and tryptophan. The highest population minor allele frequency in the population database gnomAD v4.0 is 0.0005% (4/761,904 alleles) in the European (non-Finnish) population. This variant has been reported in at least seven probands with a phenotype consistent with a telomere-mediated disorder and segregated with disease in two families (PMID: 21602826, 26360549, 29891356, 33214205; ClinVar: RCV002509176.8; Royal Melbourne Hospital). At least one patient with this variant displayed lymphocyte telomere lengths less than the first percentile, which is consistent with a telomere biology disorder (PMID: 21602826). In vitro functional studies assessing the variant without appropriate controls demonstrated reduced to no effect on telomerase activity (PMID: 16990594, 21602826, 23901009, 28154186). Computational evidence is uninformative for the missense substitution (REVEL = 0.602). Based on the classification scheme RMH Modified ACMG/AMP Guidelines v1.6.1, this variant is classified as LIKELY PATHOGENIC. Following criteria are met: PS4_Moderate, PP1_Moderate, PM2_Supporting, PP4.

Blueprint Genetics
Classification: Likely pathogenic for TERT-related disorders. Last evaluated: 2023-05-17. Review status: criteria provided, single submitter. Criteria: ACMG Guidelines, 2015. Collection method: clinical testing. Allele origin: germline. Affected: yes. Observed: 2 variant alleles.

Garcia Pulmonary Genetics Research Laboratory, Columbia University Irving Medical Center
Classification: Likely risk allele for Pulmonary fibrosis. Last evaluated: 2022-06-09. Review status: no assertion criteria provided. Collection method: research. Allele origin: germline. Affected: yes. Not counted in ClinVar's aggregate classification.

GeneReviews
No classification provided. Condition: Dyskeratosis congenita, autosomal dominant 1. Review status: no classification provided. Collection method: literature only. Allele origin: unknown. Not counted in ClinVar's aggregate classification.

Radiation Cancer Biology Lab, University of Rajasthan Jaipur
No classification provided. Condition: Aplastic anemia. Review status: no classification provided. Collection method: not provided. Allele origin: somatic. Not counted in ClinVar's aggregate classification.

Literature cited by the submitters: PubMed 15885610 (cited by 3 submitters); PubMed 16934504 (cited by Ambry Genetics); PubMed 16990594 (cited by Ambry Genetics and Molecular Genetics, Royal Melbourne Hospital); PubMed 23901009 (cited by 3 submitters); PubMed 25612863 (cited by Ambry Genetics); PubMed 26360549 (cited by 3 submitters); PubMed 28154186 (cited by 3 submitters); PubMed 36028256 (cited by Labcorp Genetics (formerly Invitae), Labcorp); PubMed 39279213 (cited by Labcorp Genetics (formerly Invitae), Labcorp); PubMed 12167716 (cited by Labcorp Genetics (formerly Invitae), Labcorp); PubMed 21602826 (cited by Labcorp Genetics (formerly Invitae), Labcorp and Molecular Genetics, Royal Melbourne Hospital); PubMed 29891356 (cited by Molecular Genetics, Royal Melbourne Hospital); PubMed 33214205 (cited by Molecular Genetics, Royal Melbourne Hospital); PubMed 20301779 (cited by GeneReviews); NCBI Bookshelf NBK22301 (cited by GeneReviews).

NM_198253.3(TERT):c.2935C>T (p.Arg979Trp)

Gene: TERT (telomerase reverse transcriptase; minus strand). Cytogenetic location: 5p15.33.
Variant type: single nucleotide variant.
Coding change: c.2935C>T on transcript NM_198253.3 (MANE Select); coding-DNA position 2935, C replaced by T.
Protein change: p.Arg979Trp; replaces arginine 979 with tryptophan.
Molecular consequence: missense variant. On other transcripts: non-coding transcript variant (2).
Genome position (GRCh38, 1-based): chr5:1,260,509, G>A on the plus strand (C>T on the coding strand, the complement: TERT is on the minus strand). VCF-style: chr5-1260509-G-A. GRCh37 (hg19) VCF-style: chr5-1260624-G-A.
Other names: c.2746C>T, p.Arg916Trp (NM_001193376.3); short protein forms R979W, R916W.
Identifiers: ClinVar variation 39118 (VCV000039118.41), dbSNP rs199422305, ClinGen allele CA170795.
Genomic context (GRCh38, chr5:1,260,509, plus strand): 5'-CTGTGCTGACCATCAGCCTGCTCACCTGCAAATCCAGAAACAGGCTGTGACACTTCAGCC[G>A]CAAGACCCCAAAGAGTTTGCGACGCATGTTCCTCCCAGCCTTGAAGCCGCGGTTGAAGGT-3'
Protein context (NP_937983.2, residues 969-989): NMRRKLFGVL[Arg979Trp]LKCHSLFLDL